The following is an entry in ClinVar:

ClinVar aggregate classification (germline): Uncertain significance (1 of 4 stars; one submission).

Conditions:
Exostoses, multiple, type 2 (EXT2). Also called: Hereditary Multiple Osteochondromatosis, Type II; EXOSTOSES, MULTIPLE, TYPE II. Identifiers: Orphanet 321, MedGen C1851413, MONDO:0007586, OMIM 133701.

Submission:

Labcorp Genetics (formerly Invitae), Labcorp
Classification: Uncertain significance for Exostoses, multiple, type 2. Last evaluated: 2022-02-10. Review status: criteria provided, single submitter. Criteria: Invitae Variant Classification Sherloc (09022015). Collection method: clinical testing. Allele origin: germline.
Comment: This sequence change replaces tyrosine, which is neutral and polar, with cysteine, which is neutral and slightly polar, at codon 107 of the EXT2 protein (p.Tyr107Cys). This variant is not present in population databases (gnomAD no frequency). This variant has not been reported in the literature in individuals affected with EXT2-related conditions. Algorithms developed to predict the effect of missense changes on protein structure and function are either unavailable or do not agree on the potential impact of this missense change (SIFT: "Deleterious"; PolyPhen-2: "Probably Damaging"; Align-GVGD: "Class C0"). Algorithms developed to predict the effect of sequence changes on RNA splicing suggest that this variant may create or strengthen a splice site. In summary, the available evidence is currently insufficient to determine the role of this variant in disease. Therefore, it has been classified as a Variant of Uncertain Significance.

NM_207122.2(EXT2):c.320A>G (p.Tyr107Cys)

Gene: EXT2 (exostosin glycosyltransferase 2; plus strand). Cytogenetic location: 11p11.2.
Variant type: single nucleotide variant.
Coding change: c.320A>G on transcript NM_207122.2 (MANE Select); coding-DNA position 320, A replaced by G.
Protein change: p.Tyr107Cys; replaces tyrosine 107 with cysteine.
Molecular consequence: missense variant.
Genome position (GRCh38, 1-based): chr11:44,108,032, A>G. VCF-style: chr11-44108032-A-G. GRCh37 (hg19) VCF-style: chr11-44129582-A-G.
Other names: c.419A>G, p.Tyr140Cys (NM_000401.3); c.320A>G, p.Tyr107Cys (NM_001178083.3, NM_001389628.1, NM_001389630.1); short protein forms Y107C, Y140C.
Identifiers: ClinVar variation 2143782 (VCV002143782.4), dbSNP rs2539516445, ClinGen allele CA380180096.
Genomic context (GRCh38, chr11:44,108,032, plus strand): 5'-TGCACACGTGTTTTGATGTCTATCGCTGTGGCTTCAACCCAAAGAACAAAATCAAGGTGT[A>G]TATCTATGCTCTGAAAAAGTACGTGGATGACTTTGGCGTCTCTGTCAGCAACACCATCTC-3'
Protein context (NP_997005.1, residues 97-117): GFNPKNKIKV[Tyr107Cys]IYALKKYVDD